The following is an entry in ClinVar:

ClinVar aggregate classification (germline): Likely benign (0 of 4 stars; one submission).

Conditions:
SPAG17-related disorder. Also called: SPAG17-related condition.

Allele frequency attached by ClinVar (database versions not stated): gnomAD exomes 0.00039; ExAC 0.00135; 1000 Genomes Project 0.00339; 1000 Genomes Project 30x 0.00422; gnomAD 0.00427; ESP Exome Variant Server 0.00431; TOPMed 0.00498.

Submission:

PreventionGenetics, part of Exact Sciences
Classification: Likely benign for SPAG17-related condition. Last evaluated: 2019-02-28. Review status: no assertion criteria provided. Collection method: clinical testing. Allele origin: germline.
Comment: This variant is classified as likely benign based on ACMG/AMP sequence variant interpretation guidelines (Richards et al. 2015 PMID: 25741868, with internal and published modifications).

NM_206996.4(SPAG17):c.2918A>G (p.Asp973Gly)

Gene: SPAG17 (sperm associated antigen 17; minus strand). Cytogenetic location: 1p12.
Variant type: single nucleotide variant.
Coding change: c.2918A>G on transcript NM_206996.4 (MANE Select); coding-DNA position 2918, A replaced by G.
Protein change: p.Asp973Gly; replaces aspartic acid 973 with glycine.
Molecular consequence: missense variant.
Genome position (GRCh38, 1-based): chr1:118,041,939, T>C on the plus strand (A>G on the coding strand, the complement: SPAG17 is on the minus strand). VCF-style: chr1-118041939-T-C. GRCh37 (hg19) VCF-style: chr1-118584562-T-C.
Other names: short protein forms D973G.
Identifiers: ClinVar variation 3050320 (VCV003050320.2), dbSNP rs77499057, ClinGen allele CA1033836.